The following is an entry in ClinVar:

ClinVar aggregate classification (germline): Uncertain significance (1 of 4 stars; one submission).

Conditions:
Alstrom syndrome (ALMS). Identifiers: Orphanet 64, MedGen C0268425, MONDO:0008763, OMIM 203800.

Submission:

Labcorp Genetics (formerly Invitae), Labcorp
Classification: Uncertain significance for Alstrom syndrome. Last evaluated: 2021-03-31. Review status: criteria provided, single submitter. Criteria: Invitae Variant Classification Sherloc (09022015). Collection method: clinical testing. Allele origin: germline.
Comment: This sequence change replaces glutamic acid with glycine at codon 14 of the ALMS1 protein (p.Glu14Gly). The glutamic acid residue is moderately conserved and there is a moderate physicochemical difference between glutamic acid and glycine. The frequency data for this variant in the population databases is considered unreliable, as metrics indicate insufficient coverage at this position in the ExAC database. This variant has not been reported in the literature in individuals with ALMS1-related conditions. Experimental studies and prediction algorithms are not available or were not evaluated, and the functional significance of this variant is currently unknown. In summary, the available evidence is currently insufficient to determine the role of this variant in disease. Therefore, it has been classified as a Variant of Uncertain Significance.

NM_001378454.1(ALMS1):c.38A>G (p.Glu13Gly)

Gene: ALMS1 (ALMS1 centrosome and basal body associated protein; plus strand). Cytogenetic location: 2p13.1.
Variant type: single nucleotide variant.
Coding change: c.38A>G on transcript NM_001378454.1 (MANE Select); coding-DNA position 38, A replaced by G.
Protein change: p.Glu13Gly; replaces glutamic acid 13 with glycine.
Molecular consequence: missense variant.
Genome position (GRCh38, 1-based): chr2:73,385,906, A>G. VCF-style: chr2-73385906-A-G. GRCh37 (hg19) VCF-style: chr2-73613034-A-G.
Other names: c.41A>G, p.Glu14Gly (NM_015120.4); short protein forms E13G, E14G.
Identifiers: ClinVar variation 1466223 (VCV001466223.6), dbSNP rs1574423651, ClinGen allele CA347250456.
Genomic context (GRCh38, chr2:73,385,906, plus strand): 5'-GCCGCCCAGAGCGAGACACCAACATGGAGCCCGAGGATCTGCCATGGCCGGGCGAGCTGG[A>G]GGAGGAGGAGGAGGAGGAGGAGGAGGAGGAGGAGGAAGAGGAGGAGGCTGCAGCGGCGGC-3'
Protein context (NP_001365383.1, residues 3-23): PEDLPWPGEL[Glu13Gly]EEEEEEEEEE